The following is an entry in ClinVar:

ClinVar aggregate classification (germline): Pathogenic. Review status: criteria provided, multiple submitters, no conflicts (2 of 4 stars). 2 submissions from 2 submitters: Pathogenic (2). Last evaluated 2026-01-23.

Conditions:
Hereditary breast ovarian cancer syndrome. Also called: Hereditary breast and/or ovarian cancer syndrome; Hereditary breast and ovarian cancer syndrome; Breast and ovarian cancer; BRCA1- and BRCA2-Associated Hereditary Breast and Ovarian Cancer; Hereditary breast and ovarian cancer; Hereditary breast and ovarian cancer syndrome (HBOC). Identifiers: Orphanet 145, MedGen C0677776, MeSH D061325, MONDO:0003582. Disease mechanism: loss of function.
Hereditary cancer-predisposing syndrome. Also called: Hereditary Cancer Syndrome; Tumor predisposition; Neoplastic Syndromes, Hereditary; Hereditary neoplastic syndrome. Identifiers: Orphanet 140162, MedGen C0027672, MeSH D009386, MONDO:0015356.

gnomAD v4.1: 1 of 1,613,474 alleles (0.000062%); highest among the groups gnomAD compares: Non-Finnish European, 0.000085%; no homozygotes.

Submissions (2):

Ambry Genetics
Classification: Pathogenic for Hereditary cancer-predisposing syndrome. Last evaluated: 2026-01-23. Review status: criteria provided, single submitter. Criteria: Ambry Variant Classification Scheme 2023. Collection method: clinical testing. Allele origin: germline.
Comment: The c.8755-1G>T intronic pathogenic mutation results from a G to T substitution one nucleotide upstream from coding exon 21 of the BRCA2 gene. This variant is considered to be rare based on population cohorts in the Genome Aggregation Database (gnomAD). This nucleotide position is highly conserved in available vertebrate species. In silico splice site analysis predicts that this alteration will weaken the native splice acceptor site and will result in the creation or strengthening of a novel splice acceptor site; RNA studies have demonstrated that this variant results in abnormal splicing in the set of samples tested (Ambry internal data). Variants that disrupt the canonical splice site are expected to cause aberrant splicing, resulting in an abnormal protein or a transcript that is subject to nonsense-mediated mRNA decay. As such, this variant is classified as a disease-causing mutation.

Laboratory for Molecular Medicine, Mass General Brigham Personalized Medicine
Classification: Pathogenic for Hereditary breast ovarian cancer syndrome. Last evaluated: 2022-11-11. Review status: criteria provided, single submitter. Criteria: ACMG Guidelines, 2015. Collection method: clinical testing. Allele origin: germline. Inheritance: Autosomal dominant inheritance.
Comment: The c.8755-1G>T variant in BRCA2 has not been previously reported in the literature in individuals with BRCA2-associated cancers but has been reported by other clinical laboratories in ClinVar (Variation ID 822710). It was absent from large population studies. This variant occurs within the canonical splice site (+/- 1,2) and is predicted to cause altered splicing leading to an abnormal or absent protein, which was corroborated by RNA studies abnormal splicing in patient samples (Ambry internal data, ClinVar ID 822710). Additionally, functional studies including mRNA transcript analysis and minigene assays performed on a variant at the same nucleotide position (c.8755-1G>A) have demonstrated that this variant results in skipping of at least exon 22, leading to a premature stop codon and an abnormal or absent protein (Machackova 2008 PMID: 18489799, Colombo 2013 PMID: 23451180, Acedo 2015 PMID: 25382762). The c.8755-1G>A variant has been identified in multiple individuals with BRCA2-associated cancers and segregated in at several affected realtives and has also been classified as pathogenic on June 18, 2019 by the ClinGen-approved ENIGMA expert panel (Variation ID 38183). Heterozygous loss of function of the BRCA2 gene is an established disease mechanism in autosomal dominant hereditary breast and ovarian cancer (HBOC). In summary, although additional studies are required to fully establish its clinical significance, this variant meets criteria to be classified as pathogenic for autosomal dominant hereditary breast and ovarian cancer. ACMG/AMP Criteria applied: PM2_Supporting, PVS1_Strong, PS1.

Literature cited by the submitters: PubMed 23451180 (cited by Ambry Genetics and Laboratory for Molecular Medicine, Mass General Brigham Personalized Medicine); PubMed 25382762 (cited by Ambry Genetics and Laboratory for Molecular Medicine, Mass General Brigham Personalized Medicine).

NM_000059.4(BRCA2):c.8755-1G>T

Gene: BRCA2 (BRCA2 DNA repair associated; plus strand). Cytogenetic location: 13q13.1.
Variant type: single nucleotide variant.
Coding change: c.8755-1G>T on transcript NM_000059.4 (MANE Select); the canonical splice acceptor site of the intron before coding-DNA position 8755, G replaced by T.
Molecular consequence: splice acceptor variant.
Genome position (GRCh38, 1-based): chr13:32,379,316, G>T. VCF-style: chr13-32379316-G-T. GRCh37 (hg19) VCF-style: chr13-32953453-G-T.
Other names: c.8755-1G>T (NM_001406720.1); c.8659-1G>T (NM_001406719.1); c.3823-1G>T (NM_001406721.1); c.2338-1G>T (NM_001406722.1).
Identifiers: ClinVar variation 822710 (VCV000822710.6), dbSNP rs81002812, ClinGen allele CA387755687.